The following is an entry in ClinVar:

ClinVar aggregate classification (germline): Uncertain significance (1 of 4 stars; one submission).

Conditions:
Neuropathy, hereditary sensory and autonomic, type 2A (HSAN2A). Also called: WNK1-Related HSAN2 (HSAN2A); MORVAN DISEASE; NEUROPATHY, CONGENITAL SENSORY; NEUROPATHY, HEREDITARY SENSORY RADICULAR, AUTOSOMAL RECESSIVE; NEUROPATHY, HEREDITARY SENSORY, TYPE IIA; NEUROPATHY, PROGRESSIVE SENSORY, OF CHILDREN. Identifiers: Orphanet 970, MedGen C2752089, MONDO:0024309, OMIM 201300.
Generalized epilepsy with febrile seizures plus, type 7 (GEFSP7). Also called: GEFS+, TYPE 7. Identifiers: Orphanet 36387, MedGen C2751778, MONDO:0013470, OMIM 613863.

Submission:

Labcorp Genetics (formerly Invitae), Labcorp
Classification: Uncertain significance for Neuropathy, hereditary sensory and autonomic, type 2A; Generalized epilepsy with febrile seizures plus, type 7. Last evaluated: 2022-02-01. Review status: criteria provided, single submitter. Criteria: Invitae Variant Classification Sherloc (09022015). Collection method: clinical testing. Allele origin: germline.
Comment: In summary, the available evidence is currently insufficient to determine the role of this variant in disease. Therefore, it has been classified as a Variant of Uncertain Significance. Advanced modeling of protein sequence and biophysical properties (such as structural, functional, and spatial information, amino acid conservation, physicochemical variation, residue mobility, and thermodynamic stability) performed at Invitae indicates that this missense variant is expected to disrupt SCN9A protein function. This variant has not been reported in the literature in individuals affected with SCN9A-related conditions. This variant is not present in population databases (gnomAD no frequency). This sequence change replaces methionine, which is neutral and non-polar, with lysine, which is basic and polar, at codon 1463 of the SCN9A protein (p.Met1463Lys).

NM_001365536.1(SCN9A):c.4421T>A (p.Met1474Lys)

Genes: SCN9A (sodium voltage-gated channel alpha subunit 9; minus strand), SCN1A-AS1 (SCN1A and SCN9A antisense RNA 1; plus strand). Cytogenetic location: 2q24.3.
Variant type: single nucleotide variant.
Coding change: c.4421T>A on transcript NM_001365536.1 (MANE Select); coding-DNA position 4421, T replaced by A.
Protein change: p.Met1474Lys; replaces methionine 1474 with lysine.
Molecular consequence: missense variant.
Genome position (GRCh38, 1-based): chr2:166,204,442, A>T on the plus strand (T>A on the coding strand, the complement: SCN9A is on the minus strand). VCF-style: chr2-166204442-A-T. GRCh37 (hg19) VCF-style: chr2-167060952-A-T.
Other names: c.4388T>A, p.Met1463Lys (NM_002977.4); short protein forms M1463K, M1474K.
Identifiers: ClinVar variation 2091400 (VCV002091400.4), dbSNP rs2468897277, ClinGen allele CA349058398.